The following is an entry in ClinVar:

NM_020778.5(ALPK3):c.2659C>G (p.Pro887Ala)

Gene: ALPK3 (alpha kinase 3; plus strand). Cytogenetic location: 15q25.3.
Variant type: single nucleotide variant.
Coding change: c.2659C>G on transcript NM_020778.5 (MANE Select); coding-DNA position 2659, C replaced by G.
Protein change: p.Pro887Ala; replaces proline 887 with alanine.
Molecular consequence: missense variant.
Genome position (GRCh38, 1-based): chr15:84,857,397, C>G. VCF-style: chr15-84857397-C-G. GRCh37 (hg19) VCF-style: chr15-85400628-C-G.
Other names: c.3265C>G (NM_020778.4); short protein forms P887A.
Identifiers: ClinVar variation 4759989 (VCV004759989.2).

ClinVar aggregate classification (germline): Uncertain significance. Review status: criteria provided, multiple submitters, no conflicts (2 of 4 stars). 2 submissions from 2 submitters: Uncertain significance (2). Last evaluated 2026-04-11.

Conditions:
Cardiovascular phenotype. Identifiers: MedGen CN230736.

Submissions (2):

Ambry Genetics
Classification: Uncertain significance for Cardiovascular phenotype. Last evaluated: 2026-04-11. Review status: criteria provided, single submitter. Criteria: Ambry Variant Classification Scheme 2023. Collection method: clinical testing. Allele origin: germline.
Comment: The p.P1089A variant (also known as c.3265C>G), located in coding exon 6 of the ALPK3 gene, results from a C to G substitution at nucleotide position 3265. The proline at codon 1089 is replaced by alanine, an amino acid with highly similar properties. This amino acid position is conserved. In addition, this alteration is predicted to be tolerated by in silico analysis. Based on the available evidence, the clinical significance of this variant remains unclear.

Labcorp Genetics (formerly Invitae), Labcorp
Classification: Uncertain significance. Last evaluated: 2025-07-21. Review status: criteria provided, single submitter. Criteria: Invitae Variant Classification Sherloc (09022015). Collection method: clinical testing. Allele origin: germline.
Comment: This sequence change replaces proline, which is neutral and non-polar, with alanine, which is neutral and non-polar, at codon 1089 of the ALPK3 protein (p.Pro1089Ala). This variant is not present in population databases (gnomAD no frequency). This variant has not been reported in the literature in individuals affected with ALPK3-related conditions. Invitae Evidence Modeling of protein sequence and biophysical properties (such as structural, functional, and spatial information, amino acid conservation, physicochemical variation, residue mobility, and thermodynamic stability) indicates that this missense variant is not expected to disrupt ALPK3 protein function with a negative predictive value of 80%. In summary, the available evidence is currently insufficient to determine the role of this variant in disease. Therefore, it has been classified as a Variant of Uncertain Significance.